The following is an entry in ClinVar:

NM_001282225.2(ADA2):c.1303C>T (p.Pro435Ser)

Gene: ADA2 (adenosine deaminase 2; minus strand). Cytogenetic location: 22q11.1.
Variant type: single nucleotide variant.
Coding change: c.1303C>T on transcript NM_001282225.2 (MANE Select); coding-DNA position 1303, C replaced by T.
Protein change: p.Pro435Ser; replaces proline 435 with serine.
Molecular consequence: missense variant.
Genome position (GRCh38, 1-based): chr22:17,181,959, G>A on the plus strand (C>T on the coding strand, the complement: ADA2 is on the minus strand). VCF-style: chr22-17181959-G-A. GRCh37 (hg19) VCF-style: chr22-17662849-G-A.
Other names: c.1303C>T, p.Pro435Ser (NM_001282226.2); c.1177C>T, p.Pro393Ser (NM_001282227.2, NM_001282228.2); c.943C>T, p.Pro315Ser (NM_001282229.2); c.580C>T, p.Pro194Ser (NM_177405.3); short protein forms P194S, P435S, P393S, P315S.
Identifiers: ClinVar variation 2047958 (VCV002047958.3), dbSNP rs186147069, ClinGen allele CA410231909.

ClinVar aggregate classification (germline): Uncertain significance. Review status: criteria provided, multiple submitters, no conflicts (2 of 4 stars). 2 submissions from 2 submitters: Uncertain significance (2). Last evaluated 2022-02-11.

Conditions:
Deficiency of adenosine deaminase 2. Also called: Polyarteritis nodosa, childhoood-onset; VASCULITIS, AUTOINFLAMMATION, IMMUNODEFICIENCY, AND HEMATOLOGIC DEFECTS SYNDROME; Adenosine Deaminase 2 Deficiency. Identifiers: Orphanet 404553, MedGen C3887654, MONDO:0014306, OMIM 615688, MONDO:0100317.

Submissions (2):

Labcorp Genetics (formerly Invitae), Labcorp
Classification: Uncertain significance for Deficiency of adenosine deaminase 2. Last evaluated: 2022-02-11. Review status: criteria provided, single submitter. Criteria: Invitae Variant Classification Sherloc (09022015). Collection method: clinical testing. Allele origin: germline.
Comment: In summary, the available evidence is currently insufficient to determine the role of this variant in disease. Therefore, it has been classified as a Variant of Uncertain Significance. Algorithms developed to predict the effect of missense changes on protein structure and function (SIFT, PolyPhen-2, Align-GVGD) all suggest that this variant is likely to be disruptive. This variant has not been reported in the literature in individuals affected with ADA2-related conditions. This variant is not present in population databases (gnomAD no frequency). This sequence change replaces proline, which is neutral and non-polar, with serine, which is neutral and polar, at codon 435 of the ADA2 protein (p.Pro435Ser).

Blueprint Genetics
Classification: Uncertain significance. Last evaluated: 2021-03-03. Review status: criteria provided, single submitter. Criteria: ACMG Guidelines, 2015. Collection method: clinical testing. Allele origin: germline.